The following is an entry in ClinVar:

NM_005956.4(MTHFD1):c.1652C>A (p.Thr551Lys)

Gene: MTHFD1 (methylenetetrahydrofolate dehydrogenase, cyclohydrolase and formyltetrahydrofolate synthetase 1; plus strand). Cytogenetic location: 14q23.3.
Variant type: single nucleotide variant.
Coding change: c.1652C>A on transcript NM_005956.4 (MANE Select); coding-DNA position 1652, C replaced by A.
Protein change: p.Thr551Lys; replaces threonine 551 with lysine.
Molecular consequence: missense variant.
Genome position (GRCh38, 1-based): chr14:64,439,150, C>A. VCF-style: chr14-64439150-C-A. GRCh37 (hg19) VCF-style: chr14-64905868-C-A.
Other names: c.1652C>A, p.Thr551Lys (NM_001364837.1); short protein forms T551K.
Identifiers: ClinVar variation 3021699 (VCV003021699.1), dbSNP rs375439399, ClinGen allele CA389994795.

ClinVar aggregate classification (germline): Uncertain significance (1 of 4 stars; one submission).

gnomAD v4.1: 2 of 1,613,896 alleles (0.00012%); highest among the groups gnomAD compares: South Asian, 0.0011%; no homozygotes.

Submission:

Labcorp Genetics (formerly Invitae), Labcorp
Classification: Uncertain significance. Last evaluated: 2023-11-07. Review status: criteria provided, single submitter. Criteria: Invitae Variant Classification Sherloc (09022015). Collection method: clinical testing. Allele origin: germline.
Comment: This sequence change replaces threonine, which is neutral and polar, with lysine, which is basic and polar, at codon 551 of the MTHFD1 protein (p.Thr551Lys). This variant is not present in population databases (gnomAD no frequency). This variant has not been reported in the literature in individuals affected with MTHFD1-related conditions. Advanced modeling of protein sequence and biophysical properties (such as structural, functional, and spatial information, amino acid conservation, physicochemical variation, residue mobility, and thermodynamic stability) performed at Invitae indicates that this missense variant is expected to disrupt MTHFD1 protein function with a positive predictive value of 80%. In summary, the available evidence is currently insufficient to determine the role of this variant in disease. Therefore, it has been classified as a Variant of Uncertain Significance.